The following is an entry in ClinVar:

NM_004304.5(ALK):c.2393A>G (p.Asn798Ser)

Gene: ALK (ALK receptor tyrosine kinase; minus strand). Cytogenetic location: 2p23.2.
Variant type: single nucleotide variant.
Coding change: c.2393A>G on transcript NM_004304.5 (MANE Select); coding-DNA position 2393, A replaced by G.
Protein change: p.Asn798Ser; replaces asparagine 798 with serine.
Molecular consequence: missense variant.
Genome position (GRCh38, 1-based): chr2:29,233,659, T>C on the plus strand (A>G on the coding strand, the complement: ALK is on the minus strand). VCF-style: chr2-29233659-T-C. GRCh37 (hg19) VCF-style: chr2-29456525-T-C.
Other names: c.2393A>G (NM_004304.4); short protein forms N798S.
Identifiers: ClinVar variation 1959957 (VCV001959957.6), dbSNP rs2148184587, ClinGen allele CA346472431.

ClinVar aggregate classification (germline): Uncertain significance. Review status: criteria provided, multiple submitters, no conflicts (2 of 4 stars). 2 submissions from 2 submitters: Uncertain significance (2). Last evaluated 2023-11-09.

Conditions:
Hereditary cancer-predisposing syndrome. Also called: Tumor predisposition; Hereditary neoplastic syndrome; Hereditary Cancer Syndrome; Neoplastic Syndromes, Hereditary. Identifiers: Orphanet 140162, MedGen C0027672, MeSH D009386, MONDO:0015356.
Neuroblastoma, susceptibility to, 3. Also called: ALK-Related Neuroblastic Tumor Susceptibility. Identifiers: Orphanet 635, MedGen C2751681, MONDO:0013083, OMIM 613014.

Submissions (2):

Ambry Genetics
Classification: Uncertain significance for Hereditary cancer-predisposing syndrome. Last evaluated: 2023-11-09. Review status: criteria provided, single submitter. Criteria: Ambry Variant Classification Scheme 2023. Collection method: clinical testing. Allele origin: germline.
Comment: The p.N798S variant (also known as c.2393A>G), located in coding exon 14 of the ALK gene, results from an A to G substitution at nucleotide position 2393. The asparagine at codon 798 is replaced by serine, an amino acid with highly similar properties. This amino acid position is conserved. In addition, this alteration is predicted to be tolerated by in silico analysis. Since supporting evidence is limited at this time, the clinical significance of this alteration remains unclear.

Labcorp Genetics (formerly Invitae), Labcorp
Classification: Uncertain significance for Neuroblastoma, susceptibility to, 3. Last evaluated: 2022-07-19. Review status: criteria provided, single submitter. Criteria: Invitae Variant Classification Sherloc (09022015). Collection method: clinical testing. Allele origin: germline.
Comment: This sequence change replaces asparagine, which is neutral and polar, with serine, which is neutral and polar, at codon 798 of the ALK protein (p.Asn798Ser). This variant has not been reported in the literature in individuals affected with ALK-related conditions. In summary, the available evidence is currently insufficient to determine the role of this variant in disease. Therefore, it has been classified as a Variant of Uncertain Significance. Algorithms developed to predict the effect of missense changes on protein structure and function output the following: SIFT: "Tolerated"; PolyPhen-2: "Benign"; Align-GVGD: "Class C0". The serine amino acid residue is found in multiple mammalian species, which suggests that this missense change does not adversely affect protein function. This variant is not present in population databases (gnomAD no frequency).